The following is an entry in ClinVar:

ClinVar aggregate classification (germline): Uncertain significance (1 of 4 stars; one submission).

gnomAD v4.1: 9 of 1,608,906 alleles (0.00056%); highest among the groups gnomAD compares: Admixed American, 0.0033%; no homozygotes.

Submission:

Ambry Genetics
Classification: Uncertain significance. Last evaluated: 2025-10-29. Review status: criteria provided, single submitter. Criteria: Ambry Variant Classification Scheme 2023. Collection method: clinical testing. Allele origin: germline.
Comment: The c.1091G>A (p.R364Q) alteration is located in exon 4 (coding exon 4) of the SLC45A4 gene. This alteration results from a G to A substitution at nucleotide position 1091, causing the arginine (R) at amino acid position 364 to be replaced by a glutamine (Q). Based on data from gnomAD, the A allele has an overall frequency of <0.001% (1/244874) total alleles studied. The highest observed frequency was 0.003% (1/34470) of Latino alleles. Based on insufficient or conflicting evidence, the clinical significance of this alteration remains unclear.

NM_001286646.2(SLC45A4):c.1244G>A (p.Arg415Gln)

Gene: SLC45A4 (solute carrier family 45 member 4; minus strand). Cytogenetic location: 8q24.3.
Variant type: single nucleotide variant.
Coding change: c.1244G>A on transcript NM_001286646.2 (MANE Select); coding-DNA position 1244, G replaced by A.
Protein change: p.Arg415Gln; replaces arginine 415 with glutamine.
Molecular consequence: missense variant.
Genome position (GRCh38, 1-based): chr8:141,218,396, C>T on the plus strand (G>A on the coding strand, the complement: SLC45A4 is on the minus strand). VCF-style: chr8-141218396-C-T. GRCh37 (hg19) VCF-style: chr8-142228495-C-T.
Other names: c.1091G>A, p.Arg364Gln (NM_001080431.3, NM_001286648.2); short protein forms R364Q, R415Q.
Identifiers: ClinVar variation 4585882 (VCV004585882.1).